The following is an entry in ClinVar:

ClinVar aggregate classification (germline): Benign/Likely benign. Review status: criteria provided, multiple submitters, no conflicts (2 of 4 stars). 5 submissions from 5 submitters: Benign (2); Likely benign (2). 1 of the submissions does not count toward it. Last evaluated 2026-01-26.

Conditions:
ANLN-related disorder. Also called: ANLN-related condition.

Allele frequency attached by ClinVar (database versions not stated): gnomAD exomes 0.00043 and 0.00108; ExAC 0.00132; 1000 Genomes Project 30x 0.00390; 1000 Genomes Project 0.00399; gnomAD 0.00421 and 0.00447; TOPMed 0.00499; ESP Exome Variant Server 0.00523.
gnomAD v4.1: 1,276 of 1,613,428 alleles (0.079%); highest among the groups gnomAD compares: African/African-American, 1.6%; 14 homozygotes.

Submissions (5):

Labcorp Genetics (formerly Invitae), Labcorp
Classification: Benign. Last evaluated: 2026-01-26. Review status: criteria provided, single submitter. Criteria: Invitae Variant Classification Sherloc (09022015). Collection method: clinical testing. Allele origin: germline.

Blueprint Genetics
Classification: Likely benign. Last evaluated: 2024-11-26. Review status: criteria provided, single submitter. Criteria: ACMG Guidelines, 2015. Collection method: clinical testing. Allele origin: germline.

Mayo Clinic Laboratories, Mayo Clinic
Classification: Benign. Last evaluated: 2024-06-03. Review status: criteria provided, single submitter. Criteria: ACMG Guidelines, 2015. Collection method: clinical testing. Allele origin: germline. Observed: 2 variant alleles.
Comment: BS1, BS2

GeneDx
Classification: Likely benign. Last evaluated: 2023-09-15. Review status: criteria provided, single submitter. Criteria: GeneDx Variant Classification Process June 2021. Collection method: clinical testing. Allele origin: germline. Affected: yes.
Comment: See Variant Classification Assertion Criteria.

PreventionGenetics, part of Exact Sciences
Classification: Benign for ANLN-related condition. Last evaluated: 2019-03-22. Review status: no assertion criteria provided. Collection method: clinical testing. Allele origin: germline. Not counted in ClinVar's aggregate classification.
Comment: This variant is classified as benign based on ACMG/AMP sequence variant interpretation guidelines (Richards et al. 2015 PMID: 25741868, with internal and published modifications).

Literature cited by the submitters: PubMed 26319989 (cited by Mayo Clinic Laboratories, Mayo Clinic).

NM_018685.5(ANLN):c.434G>A (p.Arg145His)

Gene: ANLN (anillin, actin binding protein; plus strand). Cytogenetic location: 7p14.2.
Variant type: single nucleotide variant.
Coding change: c.434G>A on transcript NM_018685.5 (MANE Select); coding-DNA position 434, G replaced by A.
Protein change: p.Arg145His; replaces arginine 145 with histidine.
Molecular consequence: missense variant.
Genome position (GRCh38, 1-based): chr7:36,399,340, G>A. VCF-style: chr7-36399340-G-A. GRCh37 (hg19) VCF-style: chr7-36438949-G-A.
Other names: p.Arg145His; c.434G>A, p.Arg145His (NM_001284301.3, NM_001284302.3); c.434G>A (NM_018685.4); short protein forms R145H.
Identifiers: ClinVar variation 1165103 (VCV001165103.13), dbSNP rs34285732, ClinGen allele CA4219341.
Genomic context (GRCh38, chr7:36,399,340, plus strand): 5'-GCATGAGGAGAGGGCTGAACTCAAGATTGGAAGCAACTGCAGCCTCCTCAGTTAAAACAC[G>A]TATGCAAAAACTTGCAGAGCAACGGCGCCGTTGGGATAATGATGATATGACAGGTATGAA-3'
Protein context (NP_061155.2, residues 135-155): EATAASSVKT[Arg145His]MQKLAEQRRR